The following is an entry in ClinVar:

ClinVar aggregate classification (germline): Benign. Review status: criteria provided, multiple submitters, no conflicts (2 of 4 stars). 6 submissions from 6 submitters: Benign (6). Last evaluated 2026-02-03.

Conditions:
Kabuki syndrome. Also called: NIIKAWA-KUROKI SYNDROME; Kabuki make-up syndrome. Identifiers: Orphanet 2322, MedGen C0796004, MONDO:0016512.

Allele frequency attached by ClinVar (database versions not stated): ExAC 0.00457; ESP Exome Variant Server 0.01035; gnomAD 0.01062 and 0.01137; TOPMed 0.01211; 1000 Genomes Project 0.01318; 1000 Genomes Project 30x 0.01421; gnomAD exomes 0.00250.
gnomAD v4.1: 3,216 of 1,599,430 alleles (0.2%); highest among the groups gnomAD compares: African/African-American, 3.6%; 64 homozygotes.

Submissions (6):

Labcorp Genetics (formerly Invitae), Labcorp
Classification: Benign for Kabuki syndrome. Last evaluated: 2026-02-03. Review status: criteria provided, single submitter. Criteria: Invitae Variant Classification Sherloc (09022015). Collection method: clinical testing. Allele origin: germline.

Athena Diagnostics
Classification: Benign. Last evaluated: 2024-04-04. Review status: criteria provided, single submitter. Criteria: Athena Diagnostics Criteria. Collection method: clinical testing. Allele origin: unknown.

GeneDx
Classification: Benign. Last evaluated: 2017-04-04. Review status: criteria provided, single submitter. Criteria: GeneDx Variant Classification (06012015). Collection method: clinical testing. Allele origin: germline. Affected: yes.
Comment: This variant is considered likely benign or benign based on one or more of the following criteria: it is a conservative change, it occurs at a poorly conserved position in the protein, it is predicted to be benign by multiple in silico algorithms, and/or has population frequency not consistent with disease.

Genetic Services Laboratory, University of Chicago
Classification: Benign. Last evaluated: 2013-02-08. Review status: criteria provided, single submitter. Criteria: ACMG Guidelines, 2007. Collection method: clinical testing. Allele origin: germline. Inheritance: Autosomal dominant inheritance.

Eurofins Ntd Llc (ga)
Classification: Benign. Last evaluated: 2012-09-19. Review status: criteria provided, single submitter. Criteria: EGL Classification Definitions 2015. Collection method: clinical testing. Allele origin: germline. Observed: 9 variant alleles, 9 heterozygotes.

Breakthrough Genomics
Classification: Benign. Review status: criteria provided, single submitter. Criteria: ACMG Guidelines, 2015. Collection method: not provided. Allele origin: germline. Inheritance: Autosomal dominant inheritance. Affected: yes.

NM_003482.4(KMT2D):c.5976G>A (p.Glu1992=)

Gene: KMT2D (lysine methyltransferase 2D; minus strand). Cytogenetic location: 12q13.12.
Variant type: single nucleotide variant.
Coding change: c.5976G>A on transcript NM_003482.4 (MANE Select); coding-DNA position 5976, G replaced by A.
Protein change: p.Glu1992=; no amino-acid change (glutamic acid 1992 retained).
Molecular consequence: synonymous variant.
Genome position (GRCh38, 1-based): chr12:49,042,222, C>T on the plus strand (G>A on the coding strand, the complement: KMT2D is on the minus strand). VCF-style: chr12-49042222-C-T. GRCh37 (hg19) VCF-style: chr12-49436005-C-T.
Identifiers: ClinVar variation 94233 (VCV000094233.23), dbSNP rs77794669, ClinGen allele CA147697.
Genomic context (GRCh38, chr12:49,042,222, plus strand): 5'-CAACTCCTCATCCTTCTCCCAGCGCTGAAGACTCCGCTGGTTATAGGAGAGTCCGTCGCC[C>T]TCACCCTCCGTGGTGGGGGTTGTGGGGGTGGAGGGCGTGGTGCCACCTGAGCCCGTCCAG-3'
Protein context (NP_003473.3, residues 1982-2002): STPTTPTTEG[Glu1992=]GDGLSYNQRS